The following is an entry in ClinVar:

NM_005121.3(MED13):c.5162A>G (p.Gln1721Arg)

Gene: MED13 (mediator complex subunit 13; minus strand). Cytogenetic location: 17q23.2.
Variant type: single nucleotide variant.
Coding change: c.5162A>G on transcript NM_005121.3 (MANE Select); coding-DNA position 5162, A replaced by G.
Protein change: p.Gln1721Arg; replaces glutamine 1721 with arginine.
Molecular consequence: missense variant.
Genome position (GRCh38, 1-based): chr17:61,961,682, T>C on the plus strand (A>G on the coding strand, the complement: MED13 is on the minus strand). VCF-style: chr17-61961682-T-C. GRCh37 (hg19) VCF-style: chr17-60039043-T-C.
Other names: short protein forms Q1721R.
Identifiers: ClinVar variation 3901464 (VCV003901464.2).

ClinVar aggregate classification (germline): Uncertain significance. Review status: criteria provided, multiple submitters, no conflicts (2 of 4 stars). 2 submissions from 2 submitters: Uncertain significance (2). Last evaluated 2025-08-12.

Conditions:
Inborn genetic diseases. Identifiers: MedGen C0950123, MeSH D030342.

gnomAD v4.1: 2 of 1,614,114 alleles (0.00012%); highest among the groups gnomAD compares: Admixed American, 0.0017%; no homozygotes.

Submissions (2):

Ambry Genetics
Classification: Uncertain significance for Inborn genetic diseases. Last evaluated: 2025-08-12. Review status: criteria provided, single submitter. Criteria: Ambry Variant Classification Scheme 2023. Collection method: clinical testing. Allele origin: germline.

GeneDx
Classification: Uncertain significance. Last evaluated: 2024-12-08. Review status: criteria provided, single submitter. Criteria: GeneDx Variant Classification Process June 2021. Collection method: clinical testing. Allele origin: germline. Affected: yes.
Comment: In silico analysis supports that this missense variant has a deleterious effect on protein structure/function; Has not been previously published as pathogenic or benign to our knowledge